The following is an entry in ClinVar:

NM_015225.3(PRUNE2):c.4854T>A (p.Thr1618=)

Gene: PRUNE2 (prune homolog 2 with BCH domain; minus strand). Cytogenetic location: 9q21.2.
Variant type: single nucleotide variant.
Coding change: c.4854T>A on transcript NM_015225.3 (MANE Select); coding-DNA position 4854, T replaced by A.
Protein change: p.Thr1618=; no amino-acid change (threonine 1618 retained).
Molecular consequence: synonymous variant. On other transcripts: non-coding transcript variant (1).
Genome position (GRCh38, 1-based): chr9:76,707,420, A>T on the plus strand (T>A on the coding strand, the complement: PRUNE2 is on the minus strand). VCF-style: chr9-76707420-A-T. GRCh37 (hg19) VCF-style: chr9-79322336-A-T.
Other names: c.4854T>A, p.Thr1618= (NM_001308047.2, NM_001308048.2).
Identifiers: ClinVar variation 2659262 (VCV002659262.24), dbSNP rs376890796, ClinGen allele CA5089764.

ClinVar aggregate classification (germline): Likely benign (1 of 4 stars; one submission).

Allele frequency attached by ClinVar (database versions not stated): TOPMed 0.00055; gnomAD 0.00056; ESP Exome Variant Server 0.00058; ExAC 0.00068; gnomAD exomes 0.00092.
gnomAD v4.1: 1,401 of 1,613,814 alleles (0.087%); highest among the groups gnomAD compares: Non-Finnish European, 0.11%; 2 homozygotes.

Submission:

CeGaT Center for Human Genetics Tuebingen
Classification: Likely benign. Last evaluated: 2022-11-01. Review status: criteria provided, single submitter. Criteria: CeGaT Center For Human Genetics Tuebingen Variant Classification Criteria Version 2. Collection method: clinical testing. Allele origin: germline. Affected: yes. Observed: 1 variant allele.
Comment: PRUNE2: BP4, BP7